The following is an entry in ClinVar:

ClinVar aggregate classification (germline): Uncertain significance. Review status: criteria provided, multiple submitters, no conflicts (2 of 4 stars). 2 submissions from 2 submitters: Uncertain significance (2). Last evaluated 2022-07-03.

Conditions:
Tyrosinemia type I (TYRSN1). Also called: FAH DEFICIENCY; Deficiency of fumarylacetoacetase; Tyrosinemia type 1; Fumarylacetoacetase deficiency; HEPATORENAL TYROSINEMIA. Identifiers: Orphanet 882, MedGen C0268490, MONDO:0010161, OMIM 276700. Disease mechanism: loss of function.

Allele frequency attached by ClinVar (database versions not stated): TOPMed 0.00002; ESP Exome Variant Server 0.00008.
gnomAD v4.1: 43 of 1,604,366 alleles (0.0027%); highest among the groups gnomAD compares: South Asian, 0.0077%; no homozygotes.

Submissions (2):

Labcorp Genetics (formerly Invitae), Labcorp
Classification: Uncertain significance for Tyrosinemia type I. Last evaluated: 2022-07-03. Review status: criteria provided, single submitter. Criteria: Invitae Variant Classification Sherloc (09022015). Collection method: clinical testing. Allele origin: germline.
Comment: This sequence change replaces proline, which is neutral and non-polar, with leucine, which is neutral and non-polar, at codon 354 of the FAH protein (p.Pro354Leu). This variant is present in population databases (rs143326948, gnomAD 0.02%). This variant has not been reported in the literature in individuals affected with FAH-related conditions. ClinVar contains an entry for this variant (Variation ID: 1199271). Algorithms developed to predict the effect of missense changes on protein structure and function are either unavailable or do not agree on the potential impact of this missense change (SIFT: "Deleterious"; PolyPhen-2: "Possibly Damaging"; Align-GVGD: "Class C0"). In summary, the available evidence is currently insufficient to determine the role of this variant in disease. Therefore, it has been classified as a Variant of Uncertain Significance.

Genome-Nilou Lab
Classification: Uncertain significance for Tyrosinemia type I. Last evaluated: 2021-07-14. Review status: criteria provided, single submitter. Criteria: ACMG Guidelines, 2015. Collection method: clinical testing. Allele origin: germline. Affected: no.

NM_000137.4(FAH):c.1061C>T (p.Pro354Leu)

Gene: FAH (fumarylacetoacetate hydrolase; plus strand). Cytogenetic location: 15q25.1.
Variant type: single nucleotide variant.
Coding change: c.1061C>T on transcript NM_000137.4 (MANE Select); coding-DNA position 1061, C replaced by T.
Protein change: p.Pro354Leu; replaces proline 354 with leucine.
Molecular consequence: missense variant.
Genome position (GRCh38, 1-based): chr15:80,180,224, C>T. VCF-style: chr15-80180224-C-T. GRCh37 (hg19) VCF-style: chr15-80472566-C-T.
Other names: c.1061C>T, p.Pro354Leu (NM_001374377.1, NM_001374380.1); short protein forms P354L.
Identifiers: ClinVar variation 1199271 (VCV001199271.5), dbSNP rs143326948, ClinGen allele CA7691451.